The following is an entry in ClinVar:

ClinVar aggregate classification (germline): Benign/Likely benign. Review status: criteria provided, multiple submitters, no conflicts (2 of 4 stars). 7 submissions from 7 submitters: Benign (3); Likely benign (2). 2 of the submissions do not count toward it. Last evaluated 2026-05-11.

Conditions:
Geleophysic dysplasia 1 (GPHYSD1). Also called: Geleophysic dwarfism. Identifiers: Orphanet 2623, MedGen C3278147, MONDO:0009269, OMIM 231050.

Allele frequency attached by ClinVar (database versions not stated): 1000 Genomes Project 30x 0.00562; ExAC 0.00908; TOPMed 0.01144; 1000 Genomes Project 0.00539; ESP Exome Variant Server 0.01329.
gnomAD v4.1: 26,788 of 1,405,034 alleles (1.9%); highest among the groups gnomAD compares: Non-Finnish European, 2.1%; 293 homozygotes.

Submissions (7):

Women's Health and Genetics/Laboratory Corporation of America, LabCorp
Classification: Benign. Last evaluated: 2026-05-11. Review status: criteria provided, single submitter. Criteria: LabCorp Variant Classification Summary - May 2015. Collection method: clinical testing. Allele origin: germline.

GeneDx
Classification: Likely benign. Last evaluated: 2020-08-05. Review status: criteria provided, single submitter. Criteria: GeneDx Variant Classification Process June 2021. Collection method: clinical testing. Allele origin: germline. Affected: yes.

Illumina Laboratory Services, Illumina
Classification: Benign for Geleophysic dysplasia 1. Last evaluated: 2018-01-13. Review status: criteria provided, single submitter. Criteria: ICSL Variant Classification Criteria 13 December 2019. Collection method: clinical testing. Allele origin: germline.
Comment: This variant was observed in the ICSL laboratory as part of a predisposition screen in an ostensibly healthy population. It had not been previously curated by ICSL or reported in the Human Gene Mutation Database (HGMD: prior to June 1st, 2018), and was therefore a candidate for classification through an automated scoring system. Utilizing variant allele frequency, disease prevalence and penetrance estimates, and inheritance mode, an automated score was calculated to assess if this variant is too frequent to cause the disease. Based on the score and internal cut-off values, a variant classified as benign is not then subjected to further curation. The score for this variant resulted in a classification of benign for this disease.

Labcorp Genetics (formerly Invitae), Labcorp
Classification: Benign. Last evaluated: 2017-05-10. Review status: criteria provided, single submitter. Criteria: Invitae Variant Classification Sherloc (09022015). Collection method: clinical testing. Allele origin: germline.

Breakthrough Genomics
Classification: Likely benign. Review status: criteria provided, single submitter. Criteria: ACMG Guidelines, 2015. Collection method: not provided. Allele origin: germline. Inheritance: Autosomal recessive inheritance. Affected: yes.

Genome Diagnostics Laboratory, Amsterdam University Medical Center
Classification: Benign. Review status: no assertion criteria provided. Collection method: clinical testing. Allele origin: germline. Affected: yes. Study: VKGL Data-share Consensus. Not counted in ClinVar's aggregate classification.

Joint Genome Diagnostic Labs from Nijmegen and Maastricht, Radboudumc and MUMC+
Classification: Benign. Review status: no assertion criteria provided. Collection method: clinical testing. Allele origin: germline. Affected: yes. Study: VKGL Data-share Consensus. Not counted in ClinVar's aggregate classification.

NM_014694.4(ADAMTSL2):c.310-9G>A

Gene: ADAMTSL2 (ADAMTS like 2; plus strand). Cytogenetic location: 9q34.2.
Variant type: single nucleotide variant.
Coding change: c.310-9G>A on transcript NM_014694.4 (MANE Select); 9 bases into the intron before coding-DNA position 310, G replaced by A.
Molecular consequence: intron variant.
Genome position (GRCh38, 1-based): chr9:133,539,762, G>A. VCF-style: chr9-133539762-G-A. GRCh37 (hg19) VCF-style: chr9-136404884-G-A.
Other names: c.310-9G>A (NM_001145320.2).
Identifiers: ClinVar variation 365574 (VCV000365574.15), dbSNP rs147342065, ClinGen allele CA5312572.